The following is an entry in ClinVar:

ClinVar aggregate classification (germline): Uncertain significance (1 of 4 stars; one submission).

Conditions:
Baller-Gerold syndrome (BGS). Also called: CRANIOSYNOSTOSIS WITH RADIAL DEFECTS. Identifiers: Orphanet 1225, MedGen C0265308, MONDO:0009039, OMIM 218600.

Submission:

Labcorp Genetics (formerly Invitae), Labcorp
Classification: Uncertain significance for Baller-Gerold syndrome. Last evaluated: 2021-05-01. Review status: criteria provided, single submitter. Criteria: Invitae Variant Classification Sherloc (09022015). Collection method: clinical testing. Allele origin: germline.
Comment: In summary, the available evidence is currently insufficient to determine the role of this variant in disease. Therefore, it has been classified as a Variant of Uncertain Significance. Experimental studies and prediction algorithms are not available or were not evaluated, and the functional significance of this variant is currently unknown. This variant has not been reported in the literature in individuals with RECQL4-related conditions. This variant is not present in population databases (ExAC no frequency). This sequence change replaces glutamic acid with alanine at codon 1063 of the RECQL4 protein (p.Glu1063Ala). The glutamic acid residue is highly conserved and there is a moderate physicochemical difference between glutamic acid and alanine.

NM_004260.4(RECQL4):c.3188A>C (p.Glu1063Ala)

Gene: RECQL4 (RecQ like helicase 4; minus strand). Cytogenetic location: 8q24.3.
Variant type: single nucleotide variant.
Coding change: c.3188A>C on transcript NM_004260.4 (MANE Select); coding-DNA position 3188, A replaced by C.
Protein change: p.Glu1063Ala; replaces glutamic acid 1063 with alanine.
Molecular consequence: missense variant.
Genome position (GRCh38, 1-based): chr8:144,512,192, T>G on the plus strand (A>C on the coding strand, the complement: RECQL4 is on the minus strand). VCF-style: chr8-144512192-T-G. GRCh37 (hg19) VCF-style: chr8-145737575-T-G.
Other names: short protein forms E1063A.
Identifiers: ClinVar variation 1350472 (VCV001350472.6), dbSNP rs1827365223, ClinGen allele CA372669965.